The following is an entry in ClinVar:

NM_001100.4(ACTA1):c.660C>A (p.Tyr220Ter)

Gene: ACTA1 (actin alpha 1, skeletal muscle; minus strand). Cytogenetic location: 1q42.13.
Variant type: single nucleotide variant.
Coding change: c.660C>A on transcript NM_001100.4 (MANE Select); coding-DNA position 660, C replaced by A.
Protein change: p.Tyr220Ter; replaces tyrosine 220 with a stop codon.
Molecular consequence: nonsense.
Genome position (GRCh38, 1-based): chr1:229,432,142, G>T on the plus strand (C>A on the coding strand, the complement: ACTA1 is on the minus strand). VCF-style: chr1-229432142-G-T. GRCh37 (hg19) VCF-style: chr1-229567889-G-T.
Other names: short protein forms Y220*.
Identifiers: ClinVar variation 464130 (VCV000464130.7), dbSNP rs201823652, ClinGen allele CA1442816.

ClinVar aggregate classification (germline): Pathogenic (1 of 4 stars; one submission).

Conditions:
Actin accumulation myopathy (CMYO2A). Also called: CONGENITAL MYOPATHY 2A, TYPICAL, AUTOSOMAL DOMINANT; Myopathy, actin, congenital, with cores; Nemaline myopathy 3, with intranuclear rods; Nemaline myopathy type 3; Myopathy, actin, congenital, with excess of thin myofilaments. Identifiers: Orphanet 98904, MedGen C3711389, MONDO:0008070, OMIM 161800.

Submission:

Labcorp Genetics (formerly Invitae), Labcorp
Classification: Pathogenic for Actin accumulation myopathy. Last evaluated: 2023-05-07. Review status: criteria provided, single submitter. Criteria: Invitae Variant Classification Sherloc (09022015). Collection method: clinical testing. Allele origin: germline.
Comment: For these reasons, this variant has been classified as Pathogenic. ClinVar contains an entry for this variant (Variation ID: 464130). This variant has not been reported in the literature in individuals affected with ACTA1-related conditions. This variant is present in population databases (rs201823652, gnomAD 0.003%). This sequence change creates a premature translational stop signal (p.Tyr220*) in the ACTA1 gene. It is expected to result in an absent or disrupted protein product. Loss-of-function variants in ACTA1 are known to be pathogenic (PMID: 19562689).

Literature cited by the submitters: PubMed 19562689.